The following is an entry in ClinVar:

NM_005215.4(DCC):c.1508T>C (p.Val503Ala)

Gene: DCC (DCC netrin 1 receptor; plus strand). Cytogenetic location: 18q21.2.
Variant type: single nucleotide variant.
Coding change: c.1508T>C on transcript NM_005215.4 (MANE Select); coding-DNA position 1508, T replaced by C.
Protein change: p.Val503Ala; replaces valine 503 with alanine.
Molecular consequence: missense variant.
Genome position (GRCh38, 1-based): chr18:53,179,051, T>C. VCF-style: chr18-53179051-T-C. GRCh37 (hg19) VCF-style: chr18-50705421-T-C.
Other names: short protein forms V503A.
Identifiers: ClinVar variation 2663565 (VCV002663565.1), dbSNP rs2511800265, ClinGen allele CA402515386.

ClinVar aggregate classification (germline): Uncertain significance (1 of 4 stars; one submission).

Allele frequency attached by ClinVar (database versions not stated): gnomAD exomes below 0.00001.
gnomAD v4.1: 1 of 1,614,056 alleles (0.000062%); highest among the groups gnomAD compares: Non-Finnish European, 0.000085%; no homozygotes.

Submission:

GeneDx
Classification: Uncertain significance. Last evaluated: 2023-05-07. Review status: criteria provided, single submitter. Criteria: GeneDx Variant Classification Process June 2021. Collection method: clinical testing. Allele origin: germline. Affected: yes.
Comment: Not observed at significant frequency in large population cohorts (gnomAD); In silico analysis supports that this missense variant has a deleterious effect on protein structure/function; Has not been previously published as pathogenic or benign to our knowledge